The following is an entry in ClinVar:

NM_001134407.3(GRIN2A):c.3920C>G (p.Pro1307Arg)

Gene: GRIN2A (glutamate ionotropic receptor NMDA type subunit 2A; minus strand). Cytogenetic location: 16p13.2.
Variant type: single nucleotide variant.
Coding change: c.3920C>G on transcript NM_001134407.3 (MANE Select); coding-DNA position 3920, C replaced by G.
Protein change: p.Pro1307Arg; replaces proline 1307 with arginine.
Molecular consequence: missense variant. On other transcripts: intron variant (1).
Genome position (GRCh38, 1-based): chr16:9,763,624, G>C on the plus strand (C>G on the coding strand, the complement: GRIN2A is on the minus strand). VCF-style: chr16-9763624-G-C. GRCh37 (hg19) VCF-style: chr16-9857481-G-C.
Other names: c.3920C>G, p.Pro1307Arg (NM_000833.5); c.3772+148C>G (NM_001134408.2); short protein forms P1307R.
Identifiers: ClinVar variation 5042010 (VCV005042010.1).

ClinVar aggregate classification (germline): Uncertain significance (1 of 4 stars; one submission).

Conditions:
Landau-Kleffner syndrome (FESD). Also called: EPILEPSY, FOCAL, WITH SPEECH DISORDER AND WITH OR WITHOUT MENTAL RETARDATION; APHASIA, ACQUIRED, WITH EPILEPSY. Identifiers: Orphanet 1945, Orphanet 725, Orphanet 98818, MedGen C0282512, MONDO:0009509, OMIM 245570.

Submission:

Clinical Genetics Laboratory, University Hospital Schleswig-Holstein
Classification: Uncertain significance for Landau-Kleffner syndrome. Last evaluated: 2025-01-27. Review status: criteria provided, single submitter. Criteria: ACMG Guidelines, 2015. Collection method: clinical testing. Allele origin: germline. Affected: yes.
Comment: ACMG criteria applied: PM2, PP4